The following is an entry in ClinVar:

NM_003664.5(AP3B1):c.1650+12del

Gene: AP3B1 (adaptor related protein complex 3 subunit beta 1; minus strand). Cytogenetic location: 5q14.1.
Variant type: Deletion.
Coding change: c.1650+12del on transcript NM_003664.5 (MANE Select); 12 bases into the intron after coding-DNA position 1650, one base deleted (A; older notation c.1650+12delA).
Molecular consequence: intron variant.
Genome position (GRCh38, 1-based): chr5:78,141,131, T deleted on the plus strand (A on the coding strand, the reverse complement: AP3B1 is on the minus strand); the first of 3 consecutive T bases (chr5:78,141,131-78,141,133); deleting any one gives the same sequence. VCF-style (leftmost placement, unchanged base first): chr5-78141130-AT-A. GRCh37 (hg19) VCF-style: chr5-77436954-AT-A.
Other names: c.1503+12del (NM_001271769.2).
Identifiers: ClinVar variation 1339686 (VCV001339686.10), dbSNP rs563512609, ClinGen allele CA3317017.

ClinVar aggregate classification (germline): Benign/Likely benign. Review status: criteria provided, multiple submitters, no conflicts (2 of 4 stars). 3 submissions from 3 submitters: Benign (2); Likely benign (1). Last evaluated 2026-01-25.

Conditions:
Hermansky-Pudlak syndrome 2 (HPS2). Also called: Platelet defects and oculocutaneous albinism. Identifiers: Orphanet 183678, Orphanet 79430, MedGen C1842362, MONDO:0011997, OMIM 608233.

Submissions (3):

Labcorp Genetics (formerly Invitae), Labcorp
Classification: Benign for Hermansky-Pudlak syndrome 2. Last evaluated: 2026-01-25. Review status: criteria provided, single submitter. Criteria: Invitae Variant Classification Sherloc (09022015). Collection method: clinical testing. Allele origin: germline.

Blueprint Genetics
Classification: Likely benign. Last evaluated: 2024-04-03. Review status: criteria provided, single submitter. Criteria: ACMG Guidelines, 2015. Collection method: clinical testing. Allele origin: germline.

Women's Health and Genetics/Laboratory Corporation of America, LabCorp
Classification: Benign. Last evaluated: 2022-01-12. Review status: criteria provided, single submitter. Criteria: LabCorp Variant Classification Summary - May 2015. Collection method: clinical testing. Allele origin: germline.
Comment: Variant summary: AP3B1 c.1650+12delA alters a non-conserved nucleotide located close to a canonical splice site and therefore could affect mRNA splicing, leading to a significantly altered protein sequence. 4/4 computational tools predict no significant impact on normal splicing. However, these predictions have yet to be confirmed by functional studies. The variant allele was found at a frequency of 0.00027 in 251192 control chromosomes, predominantly at a frequency of 0.0036 within the African or African-American subpopulation in the gnomAD database. The observed variant frequency within African or African-American control individuals in the gnomAD database is approximately 7 fold of the estimated maximal expected allele frequency for a pathogenic variant in AP3B1 causing Hermansky-Pudlak Syndrome phenotype (0.0005), strongly suggesting that the variant is a benign polymorphism found primarily in populations of African or African-American origin. To our knowledge, no occurrence of c.1650+12delA in individuals affected with Hermansky-Pudlak Syndrome and no experimental evidence demonstrating its impact on protein function have been reported. No clinical diagnostic laboratories have submitted clinical-significance assessments for this variant to ClinVar after 2014. Based on the evidence outlined above, the variant was classified as benign.